The following is an entry in ClinVar:

ClinVar aggregate classification (germline): Uncertain significance. Review status: criteria provided, single submitter (1 of 4 stars). 2 submissions from 2 submitters: Uncertain significance (1). 1 of the submissions does not count toward it. Last evaluated 2021-08-27.

Conditions:
Cerebral creatine deficiency syndrome. Also called: Creatine deficiency syndromes. Identifiers: Orphanet 79172, MedGen C5244016, MONDO:0000456.
Deficiency of guanidinoacetate methyltransferase (CCDS2). Also called: GAMT DEFICIENCY; CEREBRAL CREATINE DEFICIENCY SYNDROME 2; Guanidinoacetate Methyltransferase (GAMT) Deficiency. Identifiers: Orphanet 382, MedGen C0574080, MONDO:0012999, OMIM 612736.

Allele frequency attached by ClinVar (database versions not stated): ExAC 0.00001; TOPMed 0.00002; gnomAD 0.00001; gnomAD exomes below 0.00001.
gnomAD v4.1: 2 of 1,612,992 alleles (0.00012%); highest among the groups gnomAD compares: African/African-American, 0.0027%; no homozygotes.

Submissions (2):

Labcorp Genetics (formerly Invitae), Labcorp
Classification: Uncertain significance for Cerebral creatine deficiency syndrome. Last evaluated: 2021-08-27. Review status: criteria provided, single submitter. Criteria: Invitae Variant Classification Sherloc (09022015). Collection method: clinical testing. Allele origin: germline.
Comment: This sequence change replaces leucine with arginine at codon 116 of the GAMT protein (p.Leu116Arg). The leucine residue is highly conserved and there is a moderate physicochemical difference between leucine and arginine. This variant is present in population databases (rs765281181, ExAC 0.01%). This variant has not been reported in the literature in individuals affected with GAMT-related conditions. Algorithms developed to predict the effect of missense changes on protein structure and function (SIFT, PolyPhen-2, Align-GVGD) all suggest that this variant is likely to be disruptive. In summary, the available evidence is currently insufficient to determine the role of this variant in disease. Therefore, it has been classified as a Variant of Uncertain Significance.

Natera, Inc.
Classification: Uncertain significance for Guanidinoacetate methyltransferase deficiency. Last evaluated: 2021-01-27. Review status: no assertion criteria provided. Collection method: clinical testing. Allele origin: germline. Not counted in ClinVar's aggregate classification.

NM_000156.6(GAMT):c.347T>G (p.Leu116Arg)

Gene: GAMT (guanidinoacetate N-methyltransferase; minus strand). Cytogenetic location: 19p13.3.
Variant type: single nucleotide variant.
Coding change: c.347T>G on transcript NM_000156.6 (MANE Select); coding-DNA position 347, T replaced by G.
Protein change: p.Leu116Arg; replaces leucine 116 with arginine.
Molecular consequence: missense variant.
Genome position (GRCh38, 1-based): chr19:1,399,568, A>C on the plus strand (T>G on the coding strand, the complement: GAMT is on the minus strand). VCF-style: chr19-1399568-A-C. GRCh37 (hg19) VCF-style: chr19-1399567-A-C.
Other names: c.347T>G, p.Leu116Arg (NM_138924.3); short protein forms L116R.
Identifiers: ClinVar variation 951743 (VCV000951743.7), dbSNP rs765281181, ClinGen allele CA9043714.